The following is an entry in ClinVar:

ClinVar aggregate classification (germline): Conflicting classifications of pathogenicity. Review status: criteria provided, conflicting classifications (1 of 4 stars). 3 submissions from 3 submitters: Uncertain significance (2); Likely benign (1). Last evaluated 2026-01-28.

Conditions:
Autoimmune interstitial lung disease-arthritis syndrome. Also called: Autoinflammation and autoimmunity, systemic, with immune dysregulation. Identifiers: Orphanet 444092, MedGen C5975714, MONDO:0014629.

Allele frequency attached by ClinVar (database versions not stated): gnomAD 0.00002; gnomAD exomes 0.00002 and 0.00004; TOPMed 0.00003; ExAC 0.00006.

Submissions (3):

Labcorp Genetics (formerly Invitae), Labcorp
Classification: Uncertain significance for Autoimmune interstitial lung disease-arthritis syndrome. Last evaluated: 2026-01-28. Review status: criteria provided, single submitter. Criteria: Invitae Variant Classification Sherloc (09022015). Collection method: clinical testing. Allele origin: germline.
Comment: This sequence change falls in intron 28 of the COPA gene. It does not directly change the encoded amino acid sequence of the COPA protein. It affects a nucleotide within the consensus splice site. This variant is present in population databases (rs763329682, gnomAD 0.02%). This variant has not been reported in the literature in individuals affected with COPA-related conditions. ClinVar contains an entry for this variant (Variation ID: 1006401). Variants that disrupt the consensus splice site are a relatively common cause of aberrant splicing (PMID: 17576681, 9536098). Algorithms developed to predict the effect of sequence changes on RNA splicing suggest that this variant is not likely to affect RNA splicing. In summary, the available evidence is currently insufficient to determine the role of this variant in disease. Therefore, it has been classified as a Variant of Uncertain Significance.

Center for Genomics, Ann and Robert H. Lurie Children's Hospital of Chicago
Classification: Uncertain significance for Autoinflammation and autoimmunity with immune dysregulation 1. Last evaluated: 2022-02-01. Review status: criteria provided, single submitter. Criteria: ACMG Guidelines, 2015. Collection method: clinical testing. Allele origin: germline.
Comment: COPA NM_004371.3 intron 28 c.2960+6G>T:This variant has not been reported in the literature but is present in 0.01% (2/15276) of Latino alleles in the Genome Aggregation Database. This variant is present in ClinVar (Variation ID:1006401). Evolutionary conservation and computational predictive tools for this variant are limited or unavailable. This variant is an intronic variant with no predicted change in the amino acid sequence but may have an unknown effect on splicing. Splice prediction tools do not suggest that this variant may affect splicing. However, further studies are needed to understand its impact. In summary, data on this variant is insufficient for disease classification. Therefore, the clinical significance of this variant is uncertain.

Blueprint Genetics
Classification: Likely benign. Last evaluated: 2020-02-20. Review status: criteria provided, single submitter. Criteria: ACMG Guidelines, 2015. Collection method: clinical testing. Allele origin: germline.

Literature cited by the submitters: PubMed 17576681 (cited by Labcorp Genetics (formerly Invitae), Labcorp); PubMed 9536098 (cited by Labcorp Genetics (formerly Invitae), Labcorp).

NM_004371.4(COPA):c.2960+6G>T

Gene: COPA (coat protein complex I subunit alpha; minus strand). Cytogenetic location: 1q23.2.
Variant type: single nucleotide variant.
Coding change: c.2960+6G>T on transcript NM_004371.4 (MANE Select); 6 bases into the intron after coding-DNA position 2960, G replaced by T.
Molecular consequence: intron variant.
Genome position (GRCh38, 1-based): chr1:160,292,478, C>A on the plus strand (G>T on the coding strand, the complement: COPA is on the minus strand). VCF-style: chr1-160292478-C-A. GRCh37 (hg19) VCF-style: chr1-160262268-C-A.
Other names: c.2987+6G>T (NM_001098398.2).
Identifiers: ClinVar variation 1006401 (VCV001006401.10), dbSNP rs763329682, ClinGen allele CA1197732.